The following is an entry in ClinVar:

ClinVar aggregate classification (germline): Uncertain significance (1 of 4 stars; one submission).

Submission:

GeneDx
Classification: Uncertain significance. Last evaluated: 2024-10-01. Review status: criteria provided, single submitter. Criteria: GeneDx Variant Classification Process June 2021. Collection method: clinical testing. Allele origin: germline.
Comment: Not observed at significant frequency in large population cohorts (gnomAD); In-frame duplication of 3 amino acid(s) in a non-repeat region; Has not been previously published as pathogenic or benign to our knowledge

NM_006516.4(SLC2A1):c.175ACCACGCTC[3] (p.Leu64_Trp65insThrThrLeu)

Gene: SLC2A1 (solute carrier family 2 member 1; minus strand). Cytogenetic location: 1p34.2.
Variant type: Microsatellite.
Coding change: c.175ACCACGCTC[3] on transcript NM_006516.4 (MANE Select); three copies in a row of the 9-base unit ACCACGCTC starting at c.175; the reference has two copies in a row; one copy, 9 bases duplicated.
Protein change: p.Leu64_Trp65insThrThrLeu.
Molecular consequence: inframe insertion.
Genome position (GRCh38, 1-based): chr1:42,931,129-42,931,137, GAGCGTGGT duplicated on the plus strand (ACCACGCTC on the coding strand, the reverse complement: SLC2A1 is on the minus strand); duplicating any 9 consecutive bases within chr1:42,931,129-42,931,147 gives the same sequence; the position shown is the placement nearest the transcript's 3' end. VCF-style (leftmost placement, unchanged base first): chr1-42931128-A-AGAGCGTGGT. GRCh37 (hg19) VCF-style: chr1-43396799-A-AGAGCGTGGT.
Identifiers: ClinVar variation 3252967 (VCV003252967.2), dbSNP rs2524999448.